The following is an entry in ClinVar:

NM_001384732.1(CPLANE1):c.4634G>A (p.Arg1545His)

Gene: CPLANE1 (ciliogenesis and planar polarity effector complex subunit 1; minus strand). Cytogenetic location: 5p13.2.
Variant type: single nucleotide variant.
Coding change: c.4634G>A on transcript NM_001384732.1 (MANE Select); coding-DNA position 4634, G replaced by A.
Protein change: p.Arg1545His; replaces arginine 1545 with histidine.
Molecular consequence: missense variant.
Genome position (GRCh38, 1-based): chr5:37,183,547, C>T on the plus strand (G>A on the coding strand, the complement: CPLANE1 is on the minus strand). VCF-style: chr5-37183547-C-T. GRCh37 (hg19) VCF-style: chr5-37183649-C-T.
Other names: c.4634G>A, p.Arg1545His (NM_023073.4); short protein forms R1545H.
Identifiers: ClinVar variation 424117 (VCV000424117.4), dbSNP rs765457523, ClinGen allele CA3238663.

ClinVar aggregate classification (germline): Conflicting classifications of pathogenicity. Review status: criteria provided, conflicting classifications (1 of 4 stars). 3 submissions from 3 submitters: Likely pathogenic (2); Uncertain significance (1). Last evaluated 2023-12-30.

Conditions:
Orofaciodigital syndrome type 6 (OFD6). Also called: OFDS VI; POLYDACTYLY, CLEFT LIP/PALATE OR LINGUAL LUMP, AND PSYCHOMOTOR RETARDATION; VARADI SYNDROME; VARADI-PAPP SYNDROME; Oral-facial-digital syndrome type 6; Central polydactyly cleft lip/palate or lingual lump and psychomotor retardation. Identifiers: Orphanet 2754, MedGen C2745997, MONDO:0010176, OMIM 277170.
Joubert syndrome 17 (JBTS17). Identifiers: Orphanet 475, MedGen C3553264, MONDO:0013824, OMIM 614615.
CPLANE1-related disorder. Also called: CPLANE1-related condition.

Allele frequency attached by ClinVar (database versions not stated): TOPMed below 0.00001; ExAC 0.00002; gnomAD exomes 0.00002.
gnomAD v4.1: 7 of 1,613,338 alleles (0.00043%); highest among the groups gnomAD compares: South Asian, 0.0022%; no homozygotes.

Submissions (3):

Fulgent Genetics
Classification: Likely pathogenic for Orofaciodigital syndrome type 6; Joubert syndrome 17. Last evaluated: 2023-12-30. Review status: criteria provided, single submitter. Criteria: ACMG Guidelines, 2015. Collection method: clinical testing. Allele origin: germline.

PreventionGenetics, part of Exact Sciences
Classification: Likely pathogenic for CPLANE1-related condition. Last evaluated: 2023-03-20. Review status: criteria provided, single submitter. Criteria: ACMG Guidelines, 2015. Collection method: clinical testing. Allele origin: germline.
Comment: The CPLANE1 c.4634G>A variant is predicted to result in the amino acid substitution p.Arg1545His. This variant has been reported in two individuals with Joubert syndrome (Fig. 1 in Romani et al. 2015. PubMed ID: 25407461). This variant has also been reported in the homozygous state and in the heterozygous state along with a CPLANE1 early termination variant in individuals with Joubert syndrome (case 473 and case 102 in Bonnard et al. 2018. PubMed ID: 29605658). This variant is reported in 0.0033% of alleles in individuals of South Asian descent in gnomAD. Given the evidence, we interpret c.4634G>A (p.Arg1545His) as likely pathogenic.

GeneDx
Classification: Uncertain significance. Last evaluated: 2018-11-26. Review status: criteria provided, single submitter. Criteria: GeneDx Variant Classification (06012015). Collection method: clinical testing. Allele origin: germline. Affected: yes.
Comment: A variant of uncertain significance has been identified in the C5orf42 gene. The R1545H variant has been previously reported in two individuals with Joubert syndrome; however, additional information was not provided (Romani et al., 2015). This variant is not observed at a significant frequency in large population cohorts (Lek et al., 2016; 1000 Genomes Consortium et al., 2015; Exome Variant Server). The R1545H variant is a conservative amino acid substitution, which is not likely to impact secondary protein structure as these residues share similar properties. However, this substitution occurs at a position that is conserved in mammals. In silico analysis is inconsistent in its predictions as to whether or not the R1545H variant is damaging to the protein structure/function. Based on the currently available information, it is unclear whether this variant is a pathogenic variant or a rare benign variant.